The following is an entry in ClinVar:

ClinVar aggregate classification (germline): Uncertain significance. Review status: criteria provided, multiple submitters, no conflicts (2 of 4 stars). 2 submissions from 2 submitters: Uncertain significance (2). Last evaluated 2026-01-25.

Conditions:
Charcot-Marie-Tooth disease type 2. Also called: Charcot-Marie-Tooth type 2. Identifiers: Orphanet 64746, MedGen C0270914, MONDO:0018993.

Allele frequency attached by ClinVar (database versions not stated): gnomAD exomes below 0.00001.
gnomAD v4.1: 4 of 1,614,048 alleles (0.00025%); highest among the groups gnomAD compares: Non-Finnish European, 0.00025%; no homozygotes.

Submissions (2):

Labcorp Genetics (formerly Invitae), Labcorp
Classification: Uncertain significance for Charcot-Marie-Tooth disease type 2. Last evaluated: 2026-01-25. Review status: criteria provided, single submitter. Criteria: Invitae Variant Classification Sherloc (09022015). Collection method: clinical testing. Allele origin: germline.
Comment: This sequence change replaces alanine, which is neutral and non-polar, with valine, which is neutral and non-polar, at codon 469 of the AARS protein (p.Ala469Val). This variant is present in population databases (no rsID available, gnomAD 0.0009%). This variant has not been reported in the literature in individuals affected with AARS-related conditions. ClinVar contains an entry for this variant (Variation ID: 999798). Invitae Evidence Modeling of protein sequence and biophysical properties (such as structural, functional, and spatial information, amino acid conservation, physicochemical variation, residue mobility, and thermodynamic stability) indicates that this missense variant is not expected to disrupt AARS protein function with a negative predictive value of 95%. In summary, the available evidence is currently insufficient to determine the role of this variant in disease. Therefore, it has been classified as a Variant of Uncertain Significance.

GeneDx
Classification: Uncertain significance. Last evaluated: 2025-11-18. Review status: criteria provided, single submitter. Criteria: GeneDx Variant Classification Process June 2021. Collection method: clinical testing. Allele origin: germline.
Comment: Not observed at significant frequency in large population cohorts (gnomAD); In silico analysis supports that this missense variant has a deleterious effect on protein structure/function; Has not been previously published as pathogenic or benign to our knowledge; This variant is associated with the following publications: (PMID: 25817015)

NM_001605.3(AARS1):c.1406C>T (p.Ala469Val)

Gene: AARS1 (alanyl-tRNA synthetase 1; minus strand). Cytogenetic location: 16q22.1.
Variant type: single nucleotide variant.
Coding change: c.1406C>T on transcript NM_001605.3 (MANE Select); coding-DNA position 1406, C replaced by T.
Protein change: p.Ala469Val; replaces alanine 469 with valine.
Molecular consequence: missense variant.
Genome position (GRCh38, 1-based): chr16:70,265,044, G>A on the plus strand (C>T on the coding strand, the complement: AARS1 is on the minus strand). VCF-style: chr16-70265044-G-A. GRCh37 (hg19) VCF-style: chr16-70298947-G-A.
Other names: c.1406C>T (NM_001605.2); short protein forms A469V.
Identifiers: ClinVar variation 999798 (VCV000999798.10), dbSNP rs1482868893, ClinGen allele CA396561278.